The following is an entry in ClinVar:

ClinVar aggregate classification (germline): Uncertain significance (1 of 4 stars; one submission).

Allele frequency attached by ClinVar (database versions not stated): TOPMed below 0.00001; ExAC 0.00001.
gnomAD v4.1: 7 of 1,612,744 alleles (0.00043%); highest among the groups gnomAD compares: Admixed American, 0.012%; no homozygotes.

Submission:

Labcorp Genetics (formerly Invitae), Labcorp
Classification: Uncertain significance. Last evaluated: 2022-12-20. Review status: criteria provided, single submitter. Criteria: Invitae Variant Classification Sherloc (09022015). Collection method: clinical testing. Allele origin: germline.
Comment: This variant has not been reported in the literature in individuals affected with NBAS-related conditions. This variant is present in population databases (rs773250820, gnomAD 0.02%). This sequence change affects codon 70 of the NBAS mRNA. It is a 'silent' change, meaning that it does not change the encoded amino acid sequence of the NBAS protein. It affects a nucleotide within the consensus splice site. Algorithms developed to predict the effect of sequence changes on RNA splicing suggest that this variant is not likely to affect RNA splicing. In summary, the available evidence is currently insufficient to determine the role of this variant in disease. Therefore, it has been classified as a Variant of Uncertain Significance.

NM_015909.4(NBAS):c.210C>T (p.Ser70=)

Gene: NBAS (NBAS subunit of NRZ tethering complex; minus strand). Cytogenetic location: 2p24.3.
Variant type: single nucleotide variant.
Coding change: c.210C>T on transcript NM_015909.4 (MANE Select); coding-DNA position 210, C replaced by T.
Protein change: p.Ser70=; no amino-acid change (serine 70 retained).
Molecular consequence: synonymous variant. On other transcripts: non-coding transcript variant (1).
Genome position (GRCh38, 1-based): chr2:15,554,138, G>A on the plus strand (C>T on the coding strand, the complement: NBAS is on the minus strand). VCF-style: chr2-15554138-G-A. GRCh37 (hg19) VCF-style: chr2-15694262-G-A.
Identifiers: ClinVar variation 2189544 (VCV002189544.3), dbSNP rs773250820, ClinGen allele CA1537160.